The following is an entry in ClinVar:

NM_005726.6(TSFM):c.112C>T (p.Pro38Ser)

Gene: TSFM (Ts translation elongation factor, mitochondrial; plus strand). Cytogenetic location: 12q14.1.
Variant type: single nucleotide variant.
Coding change: c.112C>T on transcript NM_005726.6 (MANE Select); coding-DNA position 112, C replaced by T.
Protein change: p.Pro38Ser; replaces proline 38 with serine.
Molecular consequence: missense variant.
Genome position (GRCh38, 1-based): chr12:57,783,164, C>T. VCF-style: chr12-57783164-C-T. GRCh37 (hg19) VCF-style: chr12-58176947-C-T.
Other names: c.112C>T (NM_001172696.1); c.112C>T, p.Pro38Ser (NM_001172695.2, NM_001172696.2, NM_001172697.2); short protein forms P38S.
Identifiers: ClinVar variation 2187316 (VCV002187316.2), dbSNP rs368889346, ClinGen allele CA385523481.

ClinVar aggregate classification (germline): Uncertain significance. Review status: criteria provided, multiple submitters, no conflicts (2 of 4 stars). 2 submissions from 2 submitters: Uncertain significance (2). Last evaluated 2025-08-07.

Conditions:
Inborn genetic diseases. Identifiers: MedGen C0950123, MeSH D030342.

Submissions (2):

Ambry Genetics
Classification: Uncertain significance for Inborn genetic diseases. Last evaluated: 2025-08-07. Review status: criteria provided, single submitter. Criteria: Ambry Variant Classification Scheme 2023. Collection method: clinical testing. Allele origin: germline.

Labcorp Genetics (formerly Invitae), Labcorp
Classification: Uncertain significance. Last evaluated: 2022-06-14. Review status: criteria provided, single submitter. Criteria: Invitae Variant Classification Sherloc (09022015). Collection method: clinical testing. Allele origin: germline.
Comment: This sequence change replaces proline, which is neutral and non-polar, with serine, which is neutral and polar, at codon 38 of the TSFM protein (p.Pro38Ser). This variant is not present in population databases (gnomAD no frequency). This variant has not been reported in the literature in individuals affected with TSFM-related conditions. Algorithms developed to predict the effect of missense changes on protein structure and function output the following: SIFT: "Tolerated"; PolyPhen-2: "Benign"; Align-GVGD: "Class C0". The serine amino acid residue is found in multiple mammalian species, which suggests that this missense change does not adversely affect protein function. In summary, the available evidence is currently insufficient to determine the role of this variant in disease. Therefore, it has been classified as a Variant of Uncertain Significance.